The following is an entry in ClinVar:

ClinVar aggregate classification (germline): Uncertain significance (1 of 4 stars; one submission).

Allele frequency attached by ClinVar (database versions not stated): gnomAD 0.00001; gnomAD exomes 0.00001; TOPMed 0.00001; ExAC 0.00002; ESP Exome Variant Server 0.00008.
gnomAD v4.1: 1 of 1,613,662 alleles (0.000062%); highest among the groups gnomAD compares: African/African-American, 0.0013%; no homozygotes.

Submission:

GeneDx
Classification: Uncertain significance. Last evaluated: 2019-07-12. Review status: criteria provided, single submitter. Criteria: GeneDx Variant Classification Process June 2021. Collection method: clinical testing. Allele origin: germline. Affected: yes.
Comment: Has not been previously published as pathogenic or benign to our knowledge; Not observed at a significant frequency in large population cohorts (Lek et al., 2016); In silico analysis, which includes protein predictors and evolutionary conservation, supports that this variant does not alter protein structure/function

NM_022114.4(PRDM16):c.2113G>A (p.Gly705Ser)

Gene: PRDM16 (PR/SET domain 16; plus strand). Cytogenetic location: 1p36.32.
Variant type: single nucleotide variant.
Coding change: c.2113G>A on transcript NM_022114.4 (MANE Select); coding-DNA position 2113, G replaced by A.
Protein change: p.Gly705Ser; replaces glycine 705 with serine.
Molecular consequence: missense variant.
Genome position (GRCh38, 1-based): chr1:3,412,310, G>A. VCF-style: chr1-3412310-G-A. GRCh37 (hg19) VCF-style: chr1-3328874-G-A.
Other names: c.2113G>A, p.Gly705Ser (NM_199454.3); short protein forms G705S.
Identifiers: ClinVar variation 1307108 (VCV001307108.2), dbSNP rs375453690, ClinGen allele CA544385.